The following is an entry in ClinVar:

ClinVar aggregate classification (germline): Uncertain significance. Review status: criteria provided, multiple submitters, no conflicts (2 of 4 stars). 3 submissions from 3 submitters: Uncertain significance (3). Last evaluated 2025-04-03.

Conditions:
Inborn genetic diseases. Identifiers: MedGen C0950123, MeSH D030342.

Allele frequency attached by ClinVar (database versions not stated): TOPMed 0.00006; gnomAD 0.00007; gnomAD exomes 0.00007; ExAC 0.00012; ESP Exome Variant Server 0.00016.
gnomAD v4.1: 114 of 1,607,692 alleles (0.0071%); highest among the groups gnomAD compares: Admixed American, 0.02%; no homozygotes.

Submissions (3):

Ambry Genetics
Classification: Uncertain significance for Inborn genetic diseases. Last evaluated: 2025-04-03. Review status: criteria provided, single submitter. Criteria: Ambry Variant Classification Scheme 2023. Collection method: clinical testing. Allele origin: germline.

CeGaT Center for Human Genetics Tuebingen
Classification: Uncertain significance. Last evaluated: 2024-06-01. Review status: criteria provided, single submitter. Criteria: CeGaT Center For Human Genetics Tuebingen Variant Classification Criteria Version 2. Collection method: clinical testing. Allele origin: germline. Affected: yes. Observed: 1 variant allele.
Comment: CPLX1: PM2

Blueprint Genetics
Classification: Uncertain significance. Last evaluated: 2020-12-14. Review status: criteria provided, single submitter. Criteria: ACMG Guidelines, 2015. Collection method: clinical testing. Allele origin: germline.

NM_006651.4(CPLX1):c.223A>G (p.Lys75Glu)

Gene: CPLX1 (complexin 1; minus strand). Cytogenetic location: 4p16.3.
Variant type: single nucleotide variant.
Coding change: c.223A>G on transcript NM_006651.4 (MANE Select); coding-DNA position 223, A replaced by G.
Protein change: p.Lys75Glu; replaces lysine 75 with glutamic acid.
Molecular consequence: missense variant.
Genome position (GRCh38, 1-based): chr4:786,683, T>C on the plus strand (A>G on the coding strand, the complement: CPLX1 is on the minus strand). VCF-style: chr4-786683-T-C. GRCh37 (hg19) VCF-style: chr4-780471-T-C.
Other names: c.223A>G (NM_006651.3); short protein forms K75E.
Identifiers: ClinVar variation 3250708 (VCV003250708.19), dbSNP rs376234900.